The following is an entry in ClinVar:

ClinVar aggregate classification (germline): Likely benign. Review status: criteria provided, multiple submitters, no conflicts (2 of 4 stars). 4 submissions from 4 submitters: Likely benign (2). 2 of the submissions do not count toward it. Last evaluated 2026-01-21.

Conditions:
PEX1-related disorder. Also called: PEX1-related condition.
Zellweger spectrum disorders (ZS). Also called: Zellweger Spectrum Disorder; Zellweger Spectrum; Zellweger Spectrum Disorder (ZSD); Zellweger syndrome. Identifiers: Orphanet 912, MedGen C0043459, MONDO:0019609.

Allele frequency attached by ClinVar (database versions not stated): gnomAD 0.00001; gnomAD exomes 0.00001 and 0.00002; TOPMed 0.00003.
gnomAD v4.1: 10 of 1,613,704 alleles (0.00062%); highest among the groups gnomAD compares: Admixed American, 0.017%; no homozygotes.

Submissions (4):

Labcorp Genetics (formerly Invitae), Labcorp
Classification: Likely benign for Zellweger spectrum disorders. Last evaluated: 2026-01-21. Review status: criteria provided, single submitter. Criteria: Invitae Variant Classification Sherloc (09022015). Collection method: clinical testing. Allele origin: germline.

Mayo Clinic Laboratories, Mayo Clinic
Classification: Likely benign. Last evaluated: 2025-11-12. Review status: criteria provided, single submitter. Criteria: ACMG Guidelines, 2015. Collection method: clinical testing. Allele origin: germline. Observed: 1 variant allele.
Comment: BP4, BP7

PreventionGenetics, part of Exact Sciences
Classification: Likely benign for PEX1-related condition. Last evaluated: 2021-04-01. Review status: no assertion criteria provided. Collection method: clinical testing. Allele origin: germline. Not counted in ClinVar's aggregate classification.
Comment: This variant is classified as likely benign based on ACMG/AMP sequence variant interpretation guidelines (Richards et al. 2015 PMID: 25741868, with internal and published modifications).

Natera, Inc.
Classification: Uncertain significance for Zellweger syndrome. Last evaluated: 2019-02-19. Review status: no assertion criteria provided. Collection method: clinical testing. Allele origin: germline. Not counted in ClinVar's aggregate classification.

NM_000466.3(PEX1):c.831G>A (p.Gln277=)

Gene: PEX1 (peroxisomal biogenesis factor 1; minus strand). Cytogenetic location: 7q21.2.
Variant type: single nucleotide variant.
Coding change: c.831G>A on transcript NM_000466.3 (MANE Select); coding-DNA position 831, G replaced by A.
Protein change: p.Gln277=; no amino-acid change (glutamine 277 retained).
Molecular consequence: synonymous variant.
Genome position (GRCh38, 1-based): chr7:92,517,684, C>T on the plus strand (G>A on the coding strand, the complement: PEX1 is on the minus strand). VCF-style: chr7-92517684-C-T. GRCh37 (hg19) VCF-style: chr7-92146998-C-T.
Other names: p.Gln277=; c.831G>A, p.Gln277= (NM_001282677.2); c.207G>A, p.Gln69= (NM_001282678.2).
Identifiers: ClinVar variation 762581 (VCV000762581.14), dbSNP rs1210178752, ClinGen allele CA456624046.